The following is an entry in ClinVar:

ClinVar aggregate classification (germline): Conflicting classifications of pathogenicity. Review status: criteria provided, conflicting classifications (1 of 4 stars). 3 submissions from 3 submitters: Likely pathogenic (1); Uncertain significance (2). Last evaluated 2026-02-05.

Conditions:
Tooth agenesis, selective, 4 (STHAG4). Also called: LATERAL INCISORS, ABSENCE OF; LATERAL INCISORS, PEGGED OR MISSING; SUCCEDANEOUS TEETH, AGENESIS OF; TOOTH AGENESIS, SELECTIVE, 4, WITH OR WITHOUT ECTODERMAL DYSPLASIA. Identifiers: Orphanet 99798, MedGen C1835492, MONDO:0007881, OMIM 150400. Disease mechanism: loss of function.
Odonto-onycho-dermal dysplasia. Identifiers: Orphanet 2721, MedGen C0796093, MONDO:0009773, OMIM 257980.

gnomAD v4.1: 60 of 1,596,862 alleles (0.0038%); highest among the groups gnomAD compares: Non-Finnish European, 0.005%; no homozygotes.

Submissions (3):

GeneDx
Classification: Uncertain significance. Last evaluated: 2026-02-05. Review status: criteria provided, single submitter. Criteria: GeneDx Variant Classification Process June 2021. Collection method: clinical testing. Allele origin: germline.
Comment: Identified in a patient with suspected palmoplantar keratoderma in published literature (PMID: 39630431); Not observed at significant frequency in large population cohorts (gnomAD); In silico analysis supports that this missense variant has a deleterious effect on protein structure/function; This variant is associated with the following publications: (PMID: 24902757, 39630431)

Labcorp Genetics (formerly Invitae), Labcorp
Classification: Uncertain significance for Tooth agenesis, selective, 4; Odonto-onycho-dermal dysplasia. Last evaluated: 2025-07-09. Review status: criteria provided, single submitter. Criteria: Invitae Variant Classification Sherloc (09022015). Collection method: clinical testing. Allele origin: germline.
Comment: This sequence change replaces serine, which is neutral and polar, with arginine, which is basic and polar, at codon 270 of the WNT10A protein (p.Ser270Arg). The frequency data for this variant in the population databases is considered unreliable, as metrics indicate poor data quality at this position in the gnomAD database. This missense change has been observed in individual(s) with WNT10A-related conditions (PMID: 24902757). Invitae Evidence Modeling of protein sequence and biophysical properties (such as structural, functional, and spatial information, amino acid conservation, physicochemical variation, residue mobility, and thermodynamic stability) indicates that this missense variant is expected to disrupt WNT10A protein function with a positive predictive value of 80%. In summary, the available evidence is currently insufficient to determine the role of this variant in disease. Therefore, it has been classified as a Variant of Uncertain Significance.

Centre for Clinical Genetics and Genomic Diagnostics, Zealand University Hospital
Classification: Likely pathogenic. Last evaluated: 2025-03-07. Review status: criteria provided, single submitter. Criteria: ACMG Guidelines, 2015. Collection method: clinical testing. Allele origin: germline.
Comment: Compound heterozygous

Literature cited by the submitters: PubMed 24902757 (cited by Labcorp Genetics (formerly Invitae), Labcorp).

NM_025216.3(WNT10A):c.810C>A (p.Ser270Arg)

Gene: WNT10A (Wnt family member 10A; plus strand). Cytogenetic location: 2q35.
Variant type: single nucleotide variant.
Coding change: c.810C>A on transcript NM_025216.3 (MANE Select); coding-DNA position 810, C replaced by A.
Protein change: p.Ser270Arg; replaces serine 270 with arginine.
Molecular consequence: missense variant.
Genome position (GRCh38, 1-based): chr2:218,892,827, C>A. VCF-style: chr2-218892827-C-A. GRCh37 (hg19) VCF-style: chr2-219757549-C-A.
Other names: c.810C>A (NM_025216.2); short protein forms S270R.
Identifiers: ClinVar variation 4526783 (VCV004526783.3).